The following is an entry in ClinVar:

NM_006842.3(SF3B2):c.768G>T (p.Glu256Asp)

Gene: SF3B2 (splicing factor 3b subunit 2; plus strand). Cytogenetic location: 11q13.1.
Variant type: single nucleotide variant.
Coding change: c.768G>T on transcript NM_006842.3 (MANE Select); coding-DNA position 768, G replaced by T.
Protein change: p.Glu256Asp; replaces glutamic acid 256 with aspartic acid.
Molecular consequence: missense variant.
Genome position (GRCh38, 1-based): chr11:66,057,366, G>T. VCF-style: chr11-66057366-G-T. GRCh37 (hg19) VCF-style: chr11-65824837-G-T.
Other names: short protein forms E256D.
Identifiers: ClinVar variation 2632262 (VCV002632262.1), dbSNP rs1857019745, ClinGen allele CA381376943.

ClinVar aggregate classification (germline): Uncertain significance (1 of 4 stars; one submission).

Conditions:
SF3B2-related disorder. Also called: SF3B2-related condition.

Allele frequency attached by ClinVar (database versions not stated): TOPMed below 0.00001.

Submission:

PreventionGenetics, part of Exact Sciences
Classification: Uncertain significance for SF3B2-related condition. Last evaluated: 2023-07-18. Review status: criteria provided, single submitter. Criteria: ACMG Guidelines, 2015. Collection method: clinical testing. Allele origin: germline.
Comment: The SF3B2 c.768G>T variant is predicted to result in the amino acid substitution p.Glu256Asp. To our knowledge, this variant has not been reported in the literature or in a large population database, indicating this variant is rare. In multiple species an aspartic acid (Asp) is seen at the Glu256 residue. At this time, the clinical significance of this variant is uncertain due to the absence of conclusive functional and genetic evidence.